The following is an entry in ClinVar:

NM_031263.4(HNRNPK):c.426C>G (p.Asp142Glu)

Genes: HNRNPK (heterogeneous nuclear ribonucleoprotein K; minus strand), HNRNPK-AS1 (HNRNPK antisense RNA 1; plus strand). Cytogenetic location: 9q21.32.
Variant type: single nucleotide variant.
Coding change: c.426C>G on transcript NM_031263.4 (MANE Select); coding-DNA position 426, C replaced by G.
Protein change: p.Asp142Glu; replaces aspartic acid 142 with glutamic acid.
Molecular consequence: missense variant.
Genome position (GRCh38, 1-based): chr9:83,973,376, G>C on the plus strand (C>G on the coding strand, the complement: HNRNPK is on the minus strand). VCF-style: chr9-83973376-G-C. GRCh37 (hg19) VCF-style: chr9-86588291-G-C.
Other names: c.354C>G, p.Asp118Glu (NM_001318186.2, NM_001318187.2); c.426C>G, p.Asp142Glu (NM_001318188.2, NM_002140.5, NM_031262.4); short protein forms D142E, D118E.
Identifiers: ClinVar variation 5009557 (VCV005009557.1).

ClinVar aggregate classification (germline): Uncertain significance (1 of 4 stars; one submission).

Submission:

GeneDx
Classification: Uncertain significance. Last evaluated: 2026-03-20. Review status: criteria provided, single submitter. Criteria: GeneDx Variant Classification Process June 2021. Collection method: clinical testing. Allele origin: germline.
Comment: Not observed at significant frequency in large population cohorts (gnomAD); In silico analysis suggests that this missense variant does not alter protein structure/function; Has not been previously published as pathogenic or benign to our knowledge